The following is an entry in ClinVar:

ClinVar aggregate classification (germline): Pathogenic (1 of 4 stars; one submission).

Conditions:
Muscular dystrophy-dystroglycanopathy type B6 (MDDGB6). Also called: MUSCULAR DYSTROPHY-DYSTROGLYCANOPATHY (CONGENITAL WITH IMPAIRED INTELLECTUAL DEVELOPMENT), TYPE B, 6; MUSCULAR DYSTROPHY, CONGENITAL, LARGE-RELATED; MUSCULAR DYSTROPHY, CONGENITAL, TYPE 1D. Identifiers: MedGen C1837229, MONDO:0012138, OMIM 608840.

Submission:

Labcorp Genetics (formerly Invitae), Labcorp
Classification: Pathogenic for Muscular dystrophy-dystroglycanopathy type B6. Last evaluated: 2025-10-02. Review status: criteria provided, single submitter. Criteria: Invitae Variant Classification Sherloc (09022015). Collection method: clinical testing. Allele origin: germline.
Comment: This sequence change creates a premature translational stop signal (p.Ala256Glyfs*20) in the LARGE1 gene. It is expected to result in an absent or disrupted protein product. Loss-of-function variants in LARGE1 are known to be pathogenic (PMID: 12966029, 17878207). This variant is not present in population databases (gnomAD no frequency). This variant has not been reported in the literature in individuals affected with LARGE1-related conditions. ClinVar contains an entry for this variant (Variation ID: 3663678). For these reasons, this variant has been classified as Pathogenic.

Literature cited by the submitters: PubMed 12966029; PubMed 17878207.

NM_133642.5(LARGE1):c.766dup (p.Ala256fs)

Gene: LARGE1 (LARGE xylosyl- and glucuronyltransferase 1; minus strand). Cytogenetic location: 22q12.3.
Variant type: Duplication.
Coding change: c.766dup on transcript NM_133642.5 (MANE Select); coding-DNA position 766, one base duplicated (G; older notation c.766dupG).
Protein change: p.Ala256fs; shifts the reading frame from alanine 256.
Molecular consequence: frameshift variant.
Genome position (GRCh38, 1-based): chr22:33,564,869, C duplicated on the plus strand (G on the coding strand, the reverse complement: LARGE1 is on the minus strand); the first of 3 consecutive C bases (chr22:33,564,869-33,564,871); duplicating any one gives the same sequence. VCF-style (leftmost placement, unchanged base first): chr22-33564868-G-GC. GRCh37 (hg19) VCF-style: chr22-33960854-G-GC.
Other names: c.766dup, p.Ala256fs (NM_001362949.2, NM_001362951.2, NM_001362953.2 and 7 more transcripts); c.163dup, p.Ala55fs (NM_001378630.1, NM_001378631.1); short protein forms A256fs, A55fs.
Identifiers: ClinVar variation 3663678 (VCV003663678.2).